The following is an entry in ClinVar:

ClinVar aggregate classification (germline): Likely benign. Review status: criteria provided, multiple submitters, no conflicts (2 of 4 stars). 3 submissions from 3 submitters: Likely benign (2). 1 of the submissions does not count toward it. Last evaluated 2024-10-30.

Conditions:
PKD1-related disorder. Also called: PKD1-related condition.

Allele frequency attached by ClinVar (database versions not stated): TOPMed 0.00012; gnomAD exomes 0.00013; 1000 Genomes Project 30x 0.00016; gnomAD 0.00016; ExAC 0.00017; ESP Exome Variant Server 0.00023; 1000 Genomes Project 0.00040.
gnomAD v4.1: 219 of 1,609,958 alleles (0.014%); highest among the groups gnomAD compares: African/African-American, 0.017%; 1 homozygote.

Submissions (3):

Blueprint Genetics
Classification: Likely benign. Last evaluated: 2024-10-30. Review status: criteria provided, single submitter. Criteria: ACMG Guidelines, 2015. Collection method: clinical testing. Allele origin: germline.

Women's Health and Genetics/Laboratory Corporation of America, LabCorp
Classification: Likely benign. Last evaluated: 2024-06-14. Review status: criteria provided, single submitter. Criteria: LabCorp Variant Classification Summary - May 2015. Collection method: clinical testing. Allele origin: germline.
Comment: Variant summary: PKD1 c.8331G>A alters a non-conserved nucleotide resulting in a synonymous change. Consensus agreement among computation tools predict no significant impact on normal splicing. However, these predictions have yet to be confirmed by functional studies. The variant allele was found at a frequency of 0.00019 in 245682 control chromosomes (gnomAD). This frequency is not significantly higher than estimated for a pathogenic variant in PKD1 causing Polycystic Kidney Disease 1 (0.00019 vs 0.0005), allowing no conclusion about variant significance. To our knowledge, no occurrence of c.8331G>A in individuals affected with Polycystic Kidney Disease 1 and no experimental evidence demonstrating its impact on protein function have been reported. ClinVar contains an entry for this variant (Variation ID: 3036229). Based on the evidence outlined above, the variant was classified as likely benign.

PreventionGenetics, part of Exact Sciences
Classification: Likely benign for PKD1-related condition. Last evaluated: 2022-11-02. Review status: no assertion criteria provided. Collection method: clinical testing. Allele origin: germline. Not counted in ClinVar's aggregate classification.
Comment: This variant is classified as likely benign based on ACMG/AMP sequence variant interpretation guidelines (Richards et al. 2015 PMID: 25741868, with internal and published modifications).

NM_001009944.3(PKD1):c.8331G>A (p.Ala2777=)

Gene: PKD1 (polycystin 1, transient receptor potential channel interacting; minus strand). Cytogenetic location: 16p13.3.
Variant type: single nucleotide variant.
Coding change: c.8331G>A on transcript NM_001009944.3 (MANE Select); coding-DNA position 8331, G replaced by A.
Protein change: p.Ala2777=; no amino-acid change (alanine 2777 retained).
Molecular consequence: synonymous variant.
Genome position (GRCh38, 1-based): chr16:2,103,726, C>T on the plus strand (G>A on the coding strand, the complement: PKD1 is on the minus strand). VCF-style: chr16-2103726-C-T. GRCh37 (hg19) VCF-style: chr16-2153727-C-T.
Other names: c.8331G>A, p.Ala2777= (NM_000296.4).
Identifiers: ClinVar variation 3036229 (VCV003036229.4), dbSNP rs201589702, ClinGen allele CA7830560.